The following is an entry in ClinVar:

ClinVar aggregate classification (germline): Uncertain significance (1 of 4 stars; one submission).

Submission:

GeneDx
Classification: Uncertain significance. Last evaluated: 2024-02-20. Review status: criteria provided, single submitter. Criteria: GeneDx Variant Classification Process June 2021. Collection method: clinical testing. Allele origin: germline. Affected: yes.
Comment: Not observed at significant frequency in large population cohorts (gnomAD); In silico analysis supports that this missense variant has a deleterious effect on protein structure/function; Has not been previously published as pathogenic or benign to our knowledge

NM_014694.4(ADAMTSL2):c.460A>C (p.Thr154Pro)

Gene: ADAMTSL2 (ADAMTS like 2; plus strand). Cytogenetic location: 9q34.2.
Variant type: single nucleotide variant.
Coding change: c.460A>C on transcript NM_014694.4 (MANE Select); coding-DNA position 460, A replaced by C.
Protein change: p.Thr154Pro; replaces threonine 154 with proline.
Molecular consequence: missense variant.
Genome position (GRCh38, 1-based): chr9:133,540,645, A>C. VCF-style: chr9-133540645-A-C. GRCh37 (hg19) VCF-style: chr9-136405767-A-C.
Other names: c.460A>C, p.Thr154Pro (NM_001145320.2); short protein forms T154P.
Identifiers: ClinVar variation 3369333 (VCV003369333.1).